The following is an entry in ClinVar:

ClinVar aggregate classification (germline): Pathogenic/Likely pathogenic. Review status: criteria provided, multiple submitters, no conflicts (2 of 4 stars). 8 submissions from 8 submitters: Pathogenic (6); Likely pathogenic (2). Last evaluated 2026-04-07.

Conditions:
COL1A1-related disorder. Also called: COL1A1-related condition; COL1A1- related disease.
Osteogenesis imperfecta type I (OI1). Also called: Lobstein disease; Lobstein's Disease; OI, TYPE I; OSTEOGENESIS IMPERFECTA TARDA; OSTEOGENESIS IMPERFECTA WITH BLUE SCLERAE; Osteogenesis imperfecta type 1. Identifiers: Orphanet 216796, Orphanet 666, MedGen C0023931, MONDO:0008146, OMIM 166200. Disease mechanism: loss of function.
Osteogenesis imperfecta (OI). Identifiers: Orphanet 666, MedGen C0029434, MeSH D010013, MONDO:0019019.
Osteogenesis imperfecta type III (OI3). Also called: Osteogenesis imperfecta type 3; OI type 3; Osteogenesis imperfecta, progressively deforming with normal sclerae; OI type III; Progressively Deforming Osteogenesis Imperfecta. Identifiers: Orphanet 216812, Orphanet 666, MedGen C0268362, MONDO:0009804, OMIM 259420.

Submissions (8):

Clinical Genetics and Genomics, Karolinska University Hospital
Classification: Pathogenic for Osteogenesis imperfecta type I. Last evaluated: 2026-04-07. Review status: criteria provided, single submitter. Criteria: ACMG Guidelines, 2015. Collection method: clinical testing. Allele origin: unknown. Affected: yes.
Comment: This frameshift variant creates a premature stop signal in the COL1A1 gene. It is expected to lead to a loss of protein function (PMID: 16199547), and loss-of-function variants in COL1A1 are known to be pathogenic (PMID: 7942841, 9295084, 9443882). This variant is not present in population databases (gnomAD no frequency).

Labcorp Genetics (formerly Invitae), Labcorp
Classification: Pathogenic for Osteogenesis imperfecta type I. Last evaluated: 2024-06-07. Review status: criteria provided, single submitter. Criteria: Invitae Variant Classification Sherloc (09022015). Collection method: clinical testing. Allele origin: germline.
Comment: This sequence change creates a premature translational stop signal (p.Gly605Alafs*161) in the COL1A1 gene. It is expected to result in an absent or disrupted protein product. Loss-of-function variants in COL1A1 are known to be pathogenic (PMID: 7942841, 9295084, 9443882). This variant is not present in population databases (gnomAD no frequency). This premature translational stop signal has been observed in individual(s) with osteogenesis imperfecta (PMID: 22206639). ClinVar contains an entry for this variant (Variation ID: 35905). For these reasons, this variant has been classified as Pathogenic.

Molecular Genetics, Royal Melbourne Hospital
Classification: Likely pathogenic for Osteogenesis imperfecta type I. Last evaluated: 2023-03-30. Review status: criteria provided, single submitter. Criteria: ACMG Guidelines, 2015. Collection method: clinical testing. Allele origin: germline. Affected: yes.
Comment: This sequence change is a deletion of 1 bp in exon 26 of 51 of COL1A1 that is predicted to create a premature termination codon at position 765 (p.Gly605Alafs*161). It is expected to result in an absent protein product through nonsense-mediated decay. Loss of function is an established mechanism of disease for this gene (PVS1). The variant is absent in a large population cohort (PM2; gnomAD v2.1 and v3). This variant is reported once as likely pathogenic in ClinVar (clinical details unavailable). Based on the classification scheme RMH ACMG Guidelines v1.2.1, this variant is classified as LIKELY PATHOGENIC. Following criteria are met: PVS1, PM2.

PreventionGenetics, part of Exact Sciences
Classification: Pathogenic for COL1A1-related condition. Last evaluated: 2022-11-07. Review status: criteria provided, single submitter. Criteria: ACMG Guidelines, 2015. Collection method: clinical testing. Allele origin: germline.
Comment: The COL1A1 c.1812delT variant is predicted to result in a frameshift and premature protein termination (p.Gly605Alafs*161). This variant was reported in two individuals from one family with osteogenesis imperfecta (Additional file 1, Swinnen et al 2011. PubMed ID: 22206639). This variant has not been reported in a large population database, indicating this variant is rare. Frameshift variants in COL1A1 are expected to be pathogenic. This variant is interpreted as pathogenic.

Victorian Clinical Genetics Services, Murdoch Childrens Research Institute
Classification: Pathogenic for Osteogenesis imperfecta type III. Last evaluated: 2021-05-06. Review status: criteria provided, single submitter. Criteria: ACMG Guidelines, 2015. Collection method: clinical testing. Allele origin: germline. Inheritance: Autosomal dominant inheritance.
Comment: Based on the classification scheme VCGS_Germline_v1.3.4, this variant is classified as Pathogenic. Following criteria are met: 0103 - Dominant negative and loss of function are known mechanisms of disease in this gene and are associated with osteogenesis imperfecta (OI), types I-IV (MIM# 166200, MIM#166210, MIM#259420, MIM#166220), Caffey disease (MIM#114000) and arthrochalasia type Ehlers-Danlos syndrome 1 (MIM#130060). Variants resulting in a truncated protein are known to have a loss of function effect on protein, while missense variants affecting the G-X-Y of a triple helix motif, have a dominant negative effect (PMIDs:27509835, 12362985). (I) 0107 - This gene is associated with autosomal dominant disease. (I) 0201 - Variant is predicted to cause nonsense-mediated decay (NMD) and loss of protein (premature termination codon is located at least 54 nucleotides upstream of the final exon-exon junction). (SP) 0251 - This variant is heterozygous. (I) 0301 - Variant is absent from gnomAD (both v2 and v3). (SP) 0701 – Other NMD-predicted variants comparable to the one identified in this case have very strong previous evidence for pathogenicity. There are at least ten pathogenic NMD-predicted variants in ClinVar. (SP) 0802 - This variant has moderate previous evidence of pathogenicity in unrelated individuals. This variant has been reported in one individual with osteogenesis imperfecta (OI) and one family with OI and mixed hearing loss (ClinVar; PMIDs: 22206639, 16705691). (SP) 1007 - No published functional evidence has been identified for this variant. (I) 1208 - Inheritance information for this variant is not currently available in this individual. (I) Legend: (SP) - Supporting pathogenic, (I) - Information, (SB) - Supporting benign

Blueprint Genetics
Classification: Pathogenic for COL1A1-related disorders. Last evaluated: 2019-10-11. Review status: criteria provided, single submitter. Criteria: ACMG Guidelines, 2015. Collection method: clinical testing. Allele origin: germline. Affected: yes. Observed: 1 variant allele.

CENTOGENE GmbH and LLC - Guiding Precision Medicine
Classification: Pathogenic for Osteogenesis imperfecta type I. Last evaluated: 2019-05-25. Review status: criteria provided, single submitter. Criteria: ACMG Guidelines, 2015. Collection method: clinical testing. Allele origin: germline. Affected: yes.

Women's Health and Genetics/Laboratory Corporation of America, LabCorp
Classification: Likely pathogenic for Osteogenesis Imperfecta. Last evaluated: 2011-08-18. Review status: criteria provided, single submitter. Criteria: LabCorp Variant Classification Summary - May 2015. Collection method: curation, clinical testing. Allele origin: germline. Inheritance: autosomal unknown. Affected: yes.
ClinVar note: Converted during submission from likely pathogenic to Likely pathogenic.

Literature cited by the submitters: PubMed 7942841 (cited by Labcorp Genetics (formerly Invitae), Labcorp); PubMed 9295084 (cited by Labcorp Genetics (formerly Invitae), Labcorp); PubMed 9443882 (cited by Labcorp Genetics (formerly Invitae), Labcorp); PubMed 22206639 (cited by Labcorp Genetics (formerly Invitae), Labcorp and Victorian Clinical Genetics Services, Murdoch Childrens Research Institute); PubMed 12362985 (cited by Victorian Clinical Genetics Services, Murdoch Childrens Research Institute); PubMed 16705691 (cited by Victorian Clinical Genetics Services, Murdoch Childrens Research Institute); PubMed 27509835 (cited by Victorian Clinical Genetics Services, Murdoch Childrens Research Institute).

NM_000088.4(COL1A1):c.1812del (p.Gly605fs)

Gene: COL1A1 (collagen type I alpha 1 chain; minus strand). Cytogenetic location: 17q21.33.
Variant type: Deletion.
Coding change: c.1812del on transcript NM_000088.4 (MANE Select); coding-DNA position 1812, one base deleted (T; older notation c.1812delT).
Protein change: p.Gly605fs; shifts the reading frame from glycine 605.
Molecular consequence: frameshift variant.
Genome position (GRCh38, 1-based): chr17:50,193,003, A deleted on the plus strand (T on the coding strand, the reverse complement: COL1A1 is on the minus strand). VCF-style (leftmost placement, unchanged base first): chr17-50193002-CA-C. GRCh37 (hg19) VCF-style: chr17-48270363-CA-C.
Other names: c.1812delT (NM_000088.3, NM_000088.4); short protein forms G605fs.
Identifiers: ClinVar variation 35905 (VCV000035905.17), dbSNP rs193922143, ClinGen allele CA260283.